The following is an entry in ClinVar:

ClinVar aggregate classification (germline): Conflicting classifications of pathogenicity. Review status: criteria provided, conflicting classifications (1 of 4 stars). 2 submissions from 2 submitters: Uncertain significance (1); Likely benign (1). Last evaluated 2021-12-14.

Conditions:
Inborn genetic diseases. Identifiers: MedGen C0950123, MeSH D030342.
Hyperammonemia, type III (NAGSD). Also called: Hyperammonemia due to N-acetylglutamate synthase deficiency. Identifiers: Orphanet 927, MedGen C0268543, MONDO:0009377, OMIM 237310.

Allele frequency attached by ClinVar (database versions not stated): gnomAD 0.00005; TOPMed 0.00006; 1000 Genomes Project 30x 0.00016.

Submissions (2):

Ambry Genetics
Classification: Likely benign for Inborn genetic diseases. Last evaluated: 2021-12-14. Review status: criteria provided, single submitter. Criteria: Ambry Variant Classification Scheme 2023. Collection method: clinical testing. Allele origin: germline.

Labcorp Genetics (formerly Invitae), Labcorp
Classification: Uncertain significance for Hyperammonemia, type III. Last evaluated: 2021-08-28. Review status: criteria provided, single submitter. Criteria: Invitae Variant Classification Sherloc (09022015). Collection method: clinical testing. Allele origin: germline.
Comment: This sequence change replaces serine with leucine at codon 79 of the NAGS protein (p.Ser79Leu). The serine residue is weakly conserved and there is a large physicochemical difference between serine and leucine. The frequency data for this variant in the population databases is considered unreliable, as metrics indicate poor data quality at this position in the ExAC database. This variant has not been reported in the literature in individuals affected with NAGS-related conditions. Algorithms developed to predict the effect of missense changes on protein structure and function output the following: SIFT: "Tolerated"; PolyPhen-2: "Benign"; Align-GVGD: "Class C0". The leucine amino acid residue is found in multiple mammalian species, which suggests that this missense change does not adversely affect protein function. In summary, the available evidence is currently insufficient to determine the role of this variant in disease. Therefore, it has been classified as a Variant of Uncertain Significance.

NM_153006.3(NAGS):c.236C>T (p.Ser79Leu)

Gene: NAGS (N-acetylglutamate synthase; plus strand). Cytogenetic location: 17q21.31.
Variant type: single nucleotide variant.
Coding change: c.236C>T on transcript NM_153006.3 (MANE Select); coding-DNA position 236, C replaced by T.
Protein change: p.Ser79Leu; replaces serine 79 with leucine.
Molecular consequence: missense variant.
Genome position (GRCh38, 1-based): chr17:44,004,899, C>T. VCF-style: chr17-44004899-C-T. GRCh37 (hg19) VCF-style: chr17-42082267-C-T.
Other names: c.236C>T (NM_153006.2); short protein forms S79L.
Identifiers: ClinVar variation 2198641 (VCV002198641.2), dbSNP rs777697766, ClinGen allele CA8595111.